The following is an entry in ClinVar:

NM_014915.3(ANKRD26):c.2273A>G (p.Asp758Gly)

Gene: ANKRD26 (ankyrin repeat domain containing 26; minus strand). Cytogenetic location: 10p12.1.
Variant type: single nucleotide variant.
Coding change: c.2273A>G on transcript NM_014915.3 (MANE Select); coding-DNA position 2273, A replaced by G.
Protein change: p.Asp758Gly; replaces aspartic acid 758 with glycine.
Molecular consequence: missense variant.
Genome position (GRCh38, 1-based): chr10:27,040,067, T>C on the plus strand (A>G on the coding strand, the complement: ANKRD26 is on the minus strand). VCF-style: chr10-27040067-T-C. GRCh37 (hg19) VCF-style: chr10-27328996-T-C.
Other names: c.2270A>G, p.Asp757Gly (NM_001256053.2); short protein forms D757G, D758G.
Identifiers: ClinVar variation 3914252 (VCV003914252.1).
Genomic context (GRCh38, chr10:27,040,067, plus strand): 5'-TCTAACTGTGATTTTATTTCTTTTGTTTCAGATAGCTCCCTTTGTAGTACATTAACCTTG[T>C]CTTCCATTTTTTTAATTTTTACTGTAAGTAGTTCACAGTGATTTTTTTTAAGTTCTAATA-3'
Protein context (NP_055730.2, residues 748-768): LLTVKIKKME[Asp758Gly]KVNVLQRELS

ClinVar aggregate classification (germline): Uncertain significance (1 of 4 stars; one submission).

Conditions:
Inborn genetic diseases. Identifiers: MedGen C0950123, MeSH D030342.

Submission:

Ambry Genetics
Classification: Uncertain significance for Inborn genetic diseases. Last evaluated: 2025-05-05. Review status: criteria provided, single submitter. Criteria: Ambry Variant Classification Scheme 2023. Collection method: clinical testing. Allele origin: germline.
Comment: The p.D758G variant (also known as c.2273A>G), located in coding exon 21 of the ANKRD26 gene, results from an A to G substitution at nucleotide position 2273. The aspartic acid at codon 758 is replaced by glycine, an amino acid with similar properties. This amino acid position is conserved. In addition, this alteration is predicted to be tolerated by in silico analysis. Based on the available evidence, the clinical significance of this variant remains unclear.